The following is an entry in ClinVar:

ClinVar aggregate classification (germline): Uncertain significance (1 of 4 stars; one submission).

Allele frequency attached by ClinVar (database versions not stated): gnomAD exomes below 0.00001; ExAC 0.00001.
gnomAD v4.1: 1 of 1,614,142 alleles (0.000062%); highest among the groups gnomAD compares: Non-Finnish European, 0.000085%; no homozygotes.

Submission:

Labcorp Genetics (formerly Invitae), Labcorp
Classification: Uncertain significance. Last evaluated: 2023-09-12. Review status: criteria provided, single submitter. Criteria: Invitae Variant Classification Sherloc (09022015). Collection method: clinical testing. Allele origin: germline.
Comment: In summary, the available evidence is currently insufficient to determine the role of this variant in disease. Therefore, it has been classified as a Variant of Uncertain Significance. Advanced modeling of protein sequence and biophysical properties (such as structural, functional, and spatial information, amino acid conservation, physicochemical variation, residue mobility, and thermodynamic stability) has been performed at Invitae for this missense variant, however the output from this modeling did not meet the statistical confidence thresholds required to predict the impact of this variant on HIVEP2 protein function. This variant has not been reported in the literature in individuals affected with HIVEP2-related conditions. This variant is present in population databases (rs762491787, gnomAD 0.0009%). This sequence change replaces leucine, which is neutral and non-polar, with proline, which is neutral and non-polar, at codon 1626 of the HIVEP2 protein (p.Leu1626Pro).

NM_006734.4(HIVEP2):c.4877T>C (p.Leu1626Pro)

Gene: HIVEP2 (HIVEP zinc finger 2; minus strand). Cytogenetic location: 6q24.2.
Variant type: single nucleotide variant.
Coding change: c.4877T>C on transcript NM_006734.4 (MANE Select); coding-DNA position 4877, T replaced by C.
Protein change: p.Leu1626Pro; replaces leucine 1626 with proline.
Molecular consequence: missense variant.
Genome position (GRCh38, 1-based): chr6:142,769,862, A>G on the plus strand (T>C on the coding strand, the complement: HIVEP2 is on the minus strand). VCF-style: chr6-142769862-A-G. GRCh37 (hg19) VCF-style: chr6-143090999-A-G.
Other names: short protein forms L1626P.
Identifiers: ClinVar variation 2760435 (VCV002760435.3), dbSNP rs762491787, ClinGen allele CA4027990.
Genomic context (GRCh38, chr6:142,769,862, plus strand): 5'-GTAGTTGTTGTCCGCAGACTGGGGAACTGAAGAATCTGCTGGAAATCTGCCATGTCCGTG[A>G]GAAGAAGAGTTGAGTCTGCCACGTTCCCGCTGGGGGCAGAGGCCATGCGGACCAGCATGC-3'
Protein context (NP_006725.3, residues 1616-1636): SGNVADSTLL[Leu1626Pro]TDMADFQQIL